The following is an entry in ClinVar:

ClinVar aggregate classification (germline): Uncertain significance (1 of 4 stars; one submission).

Conditions:
NPHP3-related disorder. Also called: NPHP3-related disorders; NPHP3-related condition. Identifiers: MedGen CN379163.

Submission:

PreventionGenetics, part of Exact Sciences
Classification: Uncertain significance for NPHP3-related condition. Last evaluated: 2025-12-30. Review status: criteria provided, single submitter. Criteria: ACMG Guidelines, 2015. Collection method: clinical testing. Allele origin: germline.
Comment: The NPHP3 c.-77_-50dup28 variant is located in the 5' untranslated region. To our knowledge, this variant has not been reported in the literature or in a large population database (gnomAD), indicating this variant is rare. At this time, the clinical significance of this variant is uncertain due to the absence of conclusive functional and genetic evidence.

NM_153240.4(NPHP3):c.-77_-50dup28

Genes: NPHP3 (nephrocystin 3; minus strand), NPHP3-ACAD11 (NPHP3-ACAD11 readthrough (NMD candidate); minus strand), NPHP3-AS1 (NPHP3 antisense RNA 1; plus strand). Cytogenetic location: 3q22.1.
Variant type: Microsatellite.
Coding change: c.-77_-50dup28 on transcript NM_153240.4; 77 bases upstream of the start codon through 50 bases upstream of the start codon, 70 bases duplicated.
Molecular consequence: non-coding transcript variant (on NR_037804.1).
Genome position (GRCh38, 1-based): chr3:132,722,410-132,722,479, 70 bases duplicated. GRCh37 (hg19): chr3:132,441,254-132,441,295.
Identifiers: ClinVar variation 4986830 (VCV004986830.1).